The following is an entry in ClinVar:

ClinVar aggregate classification (germline): Likely benign (1 of 4 stars; one submission).

Allele frequency attached by ClinVar (database versions not stated): 1000 Genomes Project 30x 0.00016; ExAC 0.00096; ESP Exome Variant Server 0.00115; TOPMed 0.00136.
gnomAD v4.1: 2,844 of 1,529,962 alleles (0.19%); highest among the groups gnomAD compares: Non-Finnish European, 0.24%; 1 homozygote.

Submission:

GeneDx
Classification: Likely benign. Last evaluated: 2017-07-11. Review status: criteria provided, single submitter. Criteria: GeneDx Variant Classification (06012015). Collection method: clinical testing. Allele origin: germline. Affected: yes.
Comment: This variant is considered likely benign or benign based on one or more of the following criteria: it is a conservative change, it occurs at a poorly conserved position in the protein, it is predicted to be benign by multiple in silico algorithms, and/or has population frequency not consistent with disease.

NM_001070.5(TUBG1):c.-49C>A

Gene: TUBG1 (tubulin gamma 1; plus strand). Cytogenetic location: 17q21.2.
Variant type: single nucleotide variant.
Coding change: c.-49C>A on transcript NM_001070.5 (MANE Select); 49 bases upstream of the start codon, C replaced by A.
Molecular consequence: 5 prime UTR variant.
Genome position (GRCh38, 1-based): chr17:42,609,689, C>A. VCF-style: chr17-42609689-C-A. GRCh37 (hg19) VCF-style: chr17-40761707-C-A.
Identifiers: ClinVar variation 384501 (VCV000384501.1), dbSNP rs369845244, ClinGen allele CA8579716.